The following is an entry in ClinVar:

NM_001134407.3(GRIN2A):c.1535T>C (p.Leu512Pro)

Gene: GRIN2A (glutamate ionotropic receptor NMDA type subunit 2A; minus strand). Cytogenetic location: 16p13.2.
Variant type: single nucleotide variant.
Coding change: c.1535T>C on transcript NM_001134407.3 (MANE Select); coding-DNA position 1535, T replaced by C.
Protein change: p.Leu512Pro; replaces leucine 512 with proline.
Molecular consequence: missense variant.
Genome position (GRCh38, 1-based): chr16:9,840,763, A>G on the plus strand (T>C on the coding strand, the complement: GRIN2A is on the minus strand). VCF-style: chr16-9840763-A-G. GRCh37 (hg19) VCF-style: chr16-9934620-A-G.
Other names: c.1535T>C, p.Leu512Pro (NM_000833.5, NM_001134408.2); short protein forms L512P.
Identifiers: ClinVar variation 4745846 (VCV004745846.1).

ClinVar aggregate classification (germline): Uncertain significance (1 of 4 stars; one submission).

Conditions:
Landau-Kleffner syndrome (FESD). Also called: EPILEPSY, FOCAL, WITH SPEECH DISORDER AND WITH OR WITHOUT MENTAL RETARDATION; APHASIA, ACQUIRED, WITH EPILEPSY. Identifiers: Orphanet 1945, Orphanet 725, Orphanet 98818, MedGen C0282512, MONDO:0009509, OMIM 245570.

Submission:

Labcorp Genetics (formerly Invitae), Labcorp
Classification: Uncertain significance for Landau-Kleffner syndrome. Last evaluated: 2025-12-16. Review status: criteria provided, single submitter. Criteria: Invitae Variant Classification Sherloc (09022015). Collection method: clinical testing. Allele origin: germline.
Comment: This sequence change replaces leucine, which is neutral and non-polar, with proline, which is neutral and non-polar, at codon 512 of the GRIN2A protein (p.Leu512Pro). This variant is not present in population databases (gnomAD no frequency). This variant has not been reported in the literature in individuals affected with GRIN2A-related conditions. Invitae Evidence Modeling of protein sequence and biophysical properties (such as structural, functional, and spatial information, amino acid conservation, physicochemical variation, residue mobility, and thermodynamic stability) indicates that this missense variant is expected to disrupt GRIN2A protein function with a positive predictive value of 95%. In summary, the available evidence is currently insufficient to determine the role of this variant in disease. Therefore, it has been classified as a Variant of Uncertain Significance.